The following is an entry in ClinVar:

ClinVar aggregate classification (germline): Uncertain significance (1 of 4 stars; one submission).

Conditions:
Anauxetic dysplasia. Identifiers: Orphanet 93347, MedGen C1846796, MONDO:0011773.

Allele frequency attached by ClinVar (database versions not stated): TOPMed below 0.00001.
gnomAD v4.1: 2 of 700,464 alleles (0.00029%); highest among the groups gnomAD compares: South Asian, 0.0015%; no homozygotes.

Submission:

Labcorp Genetics (formerly Invitae), Labcorp
Classification: Uncertain significance for Anauxetic dysplasia. Last evaluated: 2024-04-29. Review status: criteria provided, single submitter. Criteria: Invitae Variant Classification Sherloc (09022015). Collection method: clinical testing. Allele origin: germline.
Comment: This variant occurs in the RMRP gene, which encodes an RNA molecule that does not result in a protein product. This variant is not present in population databases (gnomAD no frequency). This variant has not been reported in the literature in individuals affected with RMRP-related conditions. ClinVar contains an entry for this variant (Variation ID: 1986055). In summary, the available evidence is currently insufficient to determine the role of this variant in disease. Therefore, it has been classified as a Variant of Uncertain Significance.

NC_000009.12:g.35657980T>C

Gene: RMRP (RNA component of mitochondrial RNA processing endoribonuclease; minus strand). Cytogenetic location: 9p13.3.
Variant type: single nucleotide variant.
Genome position: GRCh38 VCF-style: chr9-35657980-T-C. GRCh37 (hg19) VCF-style: chr9-35657977-T-C.
Identifiers: ClinVar variation 1986055 (VCV001986055.3), dbSNP rs1161741069, ClinGen allele CA464450992.